The following is an entry in ClinVar:

ClinVar aggregate classification (germline): Pathogenic (1 of 4 stars; one submission).

Conditions:
Neurofibromatosis, type 1 (NF1). Also called: Peripheral type neurofibromatosis; Neurofibromatosis, type I; VON RECKLINGHAUSEN DISEASE; NEUROFIBROMATOSIS, TYPE I, SOMATIC. Identifiers: Orphanet 636, MedGen C0027831, MONDO:0018975, OMIM 162200. Disease mechanism: loss of function.

Submission:

Labcorp Genetics (formerly Invitae), Labcorp
Classification: Pathogenic for Neurofibromatosis, type 1. Last evaluated: 2022-09-07. Review status: criteria provided, single submitter. Criteria: Invitae Variant Classification Sherloc (09022015). Collection method: clinical testing. Allele origin: germline.
Comment: This variant is a gross deletion of the genomic region encompassing exon(s) 40-46 of the NF1 gene. This variant would be expected to be in-frame, preserving the integrity of the reading frame. This variant has not been reported in the literature in individuals affected with NF1-related conditions. This variant disrupts a region of the NF1 protein in which other variant(s) (p.Lys2252Met) have been determined to be pathogenic (PMID: 25325900, 30290804; Invitae). This suggests that this is a clinically significant region of the protein, and that variants that disrupt it are likely to be disease-causing. For these reasons, this variant has been classified as Pathogenic.

Literature cited by the submitters: PubMed 25325900; PubMed 30290804.

NC_000017.11:g.(?_31336323)_(31340655_?)del

Gene: NF1 (neurofibromin 1; plus strand). Cytogenetic location: 17q11.2.
Variant type: Deletion.
Identifiers: ClinVar variation 833510 (VCV000833510.2).